The following is an entry in ClinVar:

NM_138691.3(TMC1):c.-468G>A

Genes: TMC1 (transmembrane channel like 1; plus strand), LOC101927234 (uncharacterized LOC101927234; minus strand). Cytogenetic location: 9q21.13.
Variant type: single nucleotide variant.
Coding change: c.-468G>A on transcript NM_138691.3 (MANE Select); 468 bases upstream of the start codon, G replaced by A.
Molecular consequence: 5 prime UTR variant.
Genome position (GRCh38, 1-based): chr9:72,521,873, G>A. VCF-style: chr9-72521873-G-A. GRCh37 (hg19) VCF-style: chr9-75136789-G-A.
Identifiers: ClinVar variation 367245 (VCV000367245.6), dbSNP rs7022441, ClinGen allele CA10630369.

ClinVar aggregate classification (germline): Benign. Review status: criteria provided, multiple submitters, no conflicts (2 of 4 stars). 3 submissions from 2 submitters: Benign (3). Last evaluated 2018-01-13.

Conditions:
Autosomal dominant nonsyndromic hearing loss 36. Identifiers: Orphanet 90635, MedGen C1847626, MONDO:0011708, OMIM 606705.
Autosomal recessive nonsyndromic hearing loss 7. Also called: DEAFNESS, AUTOSOMAL RECESSIVE 11. Identifiers: Orphanet 90636, MedGen C1832978, MONDO:0010967, OMIM 600974.

Allele frequency attached by ClinVar (database versions not stated): 1000 Genomes Project 0.51218; 1000 Genomes Project 30x 0.52046; gnomAD 0.52665 and 0.53167; TOPMed 0.53415; gnomAD exomes 1.00000.
gnomAD v4.1: 79,920 of 152,004 alleles (53%); highest among the groups gnomAD compares: African/African-American, 65%; 21,651 homozygotes.

Submissions (3):

Illumina Laboratory Services, Illumina
Classification: Benign for Autosomal dominant nonsyndromic hearing loss 36. Last evaluated: 2018-01-13. Review status: criteria provided, single submitter. Criteria: ICSL Variant Classification Criteria 13 December 2019. Collection method: clinical testing. Allele origin: germline.
Comment: This variant was observed in the ICSL laboratory as part of a predisposition screen in an ostensibly healthy population. It had not been previously curated by ICSL or reported in the Human Gene Mutation Database (HGMD: prior to June 1st, 2018), and was therefore a candidate for classification through an automated scoring system. Utilizing variant allele frequency, disease prevalence and penetrance estimates, and inheritance mode, an automated score was calculated to assess if this variant is too frequent to cause the disease. Based on the score and internal cut-off values, a variant classified as benign is not then subjected to further curation. The score for this variant resulted in a classification of benign for this disease.

Illumina Laboratory Services, Illumina
Classification: Benign for Autosomal recessive nonsyndromic hearing loss 7. Last evaluated: 2018-01-13. Review status: criteria provided, single submitter. Criteria: ICSL Variant Classification Criteria 13 December 2019. Collection method: clinical testing. Allele origin: germline.
Comment: the same text as in the submission from Illumina Laboratory Services, Illumina above.

Breakthrough Genomics
Classification: Benign. Review status: criteria provided, single submitter. Criteria: ACMG Guidelines, 2015. Collection method: not provided. Allele origin: germline. Inheritance: Autosomal recessive inheritance. Affected: yes.